The following is an entry in ClinVar:

ClinVar aggregate classification (germline): Uncertain significance (1 of 4 stars; one submission).

Conditions:
PPP1R3F-related disorder.

Submission:

3billion
Classification: Uncertain significance for PPP1R3F-related disorder. Last evaluated: 2025-12-07. Review status: criteria provided, single submitter. Criteria: ACMG Guidelines, 2015. Collection method: clinical testing. Allele origin: germline. Affected: yes.
Comment: The variant is not observed in the gnomAD v4.1.0 dataset. Predicted Consequence/Location: Inframe deletion located in a nonrepeat region: predicted to change the length of the protein and disrupt normal protein function. Therefore, this variant is classified as VUS according to the recommendation of ACMG/AMP guideline.

NM_033215.5(PPP1R3F):c.511_513del (p.Leu171del)

Gene: PPP1R3F (protein phosphatase 1 regulatory subunit 3F; plus strand). Cytogenetic location: Xp11.23.
Variant type: Deletion.
Coding change: c.511_513del on transcript NM_033215.5 (MANE Select); coding-DNA positions 511 to 513, 3 bases deleted (CTG; older notation c.511_513delCTG).
Protein change: p.Leu171del; deletes leucine 171.
Molecular consequence: inframe deletion. On other transcripts: intron variant (1).
Genome position (GRCh38, 1-based): chrX:49,270,380-49,270,382, CTG deleted; deleting any 3 consecutive bases within chrX:49,270,378-49,270,382 gives the same sequence; the c. name uses the placement nearest the transcript's 3' end. VCF-style (leftmost placement, unchanged base first): chrX-49270377-GTGC-G. GRCh37 (hg19) VCF-style: chrX-49126840-GTGC-G.
Other names: c.-32+447_-32+449del (NM_001184745.2); short protein forms L171del.
Identifiers: ClinVar variation 4854057 (VCV004854057.1).